The following is an entry in ClinVar:

NM_014714.4(IFT140):c.3247A>G (p.Arg1083Gly)

Gene: IFT140 (intraflagellar transport 140; minus strand). Cytogenetic location: 16p13.3.
Variant type: single nucleotide variant.
Coding change: c.3247A>G on transcript NM_014714.4 (MANE Select); coding-DNA position 3247, A replaced by G.
Protein change: p.Arg1083Gly; replaces arginine 1083 with glycine.
Molecular consequence: missense variant.
Genome position (GRCh38, 1-based): chr16:1,523,851, T>C on the plus strand (A>G on the coding strand, the complement: IFT140 is on the minus strand). VCF-style: chr16-1523851-T-C. GRCh37 (hg19) VCF-style: chr16-1573852-T-C.
Other names: short protein forms R1083G.
Identifiers: ClinVar variation 3649018 (VCV003649018.2).
Genomic context (GRCh38, chr16:1,523,851, plus strand): 5'-CCCCTCCCCCAGGTCCCCACCGGTGGCCAGCCCTCACCTTGTGGTACAGCATGACCGCCC[T>C]GTCCATCTGCACGCCCTTCTCCTCGTAGTATCGGGCCGCCTCGATCATGTCCTCGGGGGA-3'
Protein context (NP_055529.2, residues 1073-1093): YYEEKGVQMD[Arg1083Gly]AVMLYHKAGH

ClinVar aggregate classification (germline): Uncertain significance (1 of 4 stars; one submission).

Conditions:
Saldino-Mainzer syndrome (SRTD9). Also called: CONORENAL SYNDROME; Renal dysplasia, retinal pigmentary dystrophy, cerebellar ataxia and skeletal dysplasia; SHORT-RIB THORACIC DYSPLASIA 9 WITHOUT POLYDACTYLY; short-rib thoracic dysplasia 9 with or without polydactyly. Identifiers: Orphanet 140969, MedGen C1849437, MONDO:0009964, OMIM 266920.

gnomAD v4.1: 3 of 1,613,364 alleles (0.00019%); highest among the groups gnomAD compares: Non-Finnish European, 0.00017%; no homozygotes.

Submission:

Labcorp Genetics (formerly Invitae), Labcorp
Classification: Uncertain significance for Saldino-Mainzer syndrome. Last evaluated: 2024-04-06. Review status: criteria provided, single submitter. Criteria: Invitae Variant Classification Sherloc (09022015). Collection method: clinical testing. Allele origin: germline.
Comment: This sequence change replaces arginine, which is basic and polar, with glycine, which is neutral and non-polar, at codon 1083 of the IFT140 protein (p.Arg1083Gly). This variant is not present in population databases (gnomAD no frequency). This variant has not been reported in the literature in individuals affected with IFT140-related conditions. Advanced modeling of protein sequence and biophysical properties (such as structural, functional, and spatial information, amino acid conservation, physicochemical variation, residue mobility, and thermodynamic stability) has been performed at Invitae for this missense variant, however the output from this modeling did not meet the statistical confidence thresholds required to predict the impact of this variant on IFT140 protein function. In summary, the available evidence is currently insufficient to determine the role of this variant in disease. Therefore, it has been classified as a Variant of Uncertain Significance.